The following is an entry in ClinVar:

NM_005994.4(TBX2):c.1590G>C (p.Ala530=)

Gene: TBX2 (T-box transcription factor 2; plus strand). Cytogenetic location: 17q23.2.
Variant type: single nucleotide variant.
Coding change: c.1590G>C on transcript NM_005994.4 (MANE Select); coding-DNA position 1590, G replaced by C.
Protein change: p.Ala530=; no amino-acid change (alanine 530 retained).
Molecular consequence: synonymous variant.
Genome position (GRCh38, 1-based): chr17:61,405,740, G>C. VCF-style: chr17-61405740-G-C. GRCh37 (hg19) VCF-style: chr17-59483101-G-C.
Identifiers: ClinVar variation 3053498 (VCV003053498.2), dbSNP rs771032151, ClinGen allele CA292248712.
Genomic context (GRCh38, chr17:61,405,740, plus strand): 5'-CCTACTGGCCTCGGTGGCAGGCGGCGGCAACGGCGGAGGTGGCGGGCCTGGGACCGCCGC[G>C]GGGCTGGACGCAGGCGGGCTGGGTCCCGCGGCCAGCGCAGCAAGCACCGCCGCGCCCTTC-3'
Protein context (NP_005985.3, residues 520-540): NGGGGGPGTA[Ala530=]GLDAGGLGPA

ClinVar aggregate classification (germline): Likely benign (0 of 4 stars; one submission).

Conditions:
TBX2-related disorder. Also called: TBX2-related condition.

Allele frequency attached by ClinVar (database versions not stated): TOPMed below 0.00001; gnomAD 0.00001.
gnomAD v4.1: 31 of 1,351,454 alleles (0.0023%); highest among the groups gnomAD compares: Non-Finnish European, 0.0026%; no homozygotes.

Submission:

PreventionGenetics, part of Exact Sciences
Classification: Likely benign for TBX2-related condition. Last evaluated: 2019-08-26. Review status: no assertion criteria provided. Collection method: clinical testing. Allele origin: germline.
Comment: This variant is classified as likely benign based on ACMG/AMP sequence variant interpretation guidelines (Richards et al. 2015 PMID: 25741868, with internal and published modifications).